The following is an entry in ClinVar:

ClinVar aggregate classification (germline): Benign/Likely benign. Review status: criteria provided, multiple submitters, no conflicts (2 of 4 stars). 4 submissions from 4 submitters: Benign (1); Likely benign (2). 1 of the submissions does not count toward it. Last evaluated 2026-07-01.

Conditions:
DTNBP1-related disorder. Also called: DTNBP1-related condition.

Allele frequency attached by ClinVar (database versions not stated): gnomAD exomes 0.00008 and 0.00020; ExAC 0.00020; ESP Exome Variant Server 0.00023; gnomAD 0.00042; 1000 Genomes Project 0.00140; 1000 Genomes Project 30x 0.00172.
gnomAD v4.1: 192 of 1,614,134 alleles (0.012%); highest among the groups gnomAD compares: African/African-American, 0.089%; 2 homozygotes.

Submissions (4):

CeGaT Center for Human Genetics Tuebingen
Classification: Likely benign. Last evaluated: 2026-07-01. Review status: criteria provided, single submitter. Criteria: CeGaT Center For Human Genetics Tuebingen Variant Classification Criteria Version 2. Collection method: clinical testing. Allele origin: germline. Affected: yes. Observed: 2 variant alleles.
Comment: DTNBP1: BP4, BP7

Women's Health and Genetics/Laboratory Corporation of America, LabCorp
Classification: Benign. Last evaluated: 2026-04-20. Review status: criteria provided, single submitter. Criteria: LabCorp Variant Classification Summary - May 2015. Collection method: clinical testing. Allele origin: germline.

Labcorp Genetics (formerly Invitae), Labcorp
Classification: Likely benign. Last evaluated: 2026-01-27. Review status: criteria provided, single submitter. Criteria: Invitae Variant Classification Sherloc (09022015). Collection method: clinical testing. Allele origin: germline.

PreventionGenetics, part of Exact Sciences
Classification: Likely benign for DTNBP1-related condition. Last evaluated: 2024-01-08. Review status: no assertion criteria provided. Collection method: clinical testing. Allele origin: germline. Not counted in ClinVar's aggregate classification.
Comment: This variant is classified as likely benign based on ACMG/AMP sequence variant interpretation guidelines (Richards et al. 2015 PMID: 25741868, with internal and published modifications).

NM_032122.5(DTNBP1):c.915G>A (p.Ser305=)

Gene: DTNBP1 (dystrobrevin binding protein 1; minus strand). Cytogenetic location: 6p22.3.
Variant type: single nucleotide variant.
Coding change: c.915G>A on transcript NM_032122.5 (MANE Select); coding-DNA position 915, G replaced by A.
Protein change: p.Ser305=; no amino-acid change (serine 305 retained).
Molecular consequence: synonymous variant.
Genome position (GRCh38, 1-based): chr6:15,523,116, C>T on the plus strand (G>A on the coding strand, the complement: DTNBP1 is on the minus strand). VCF-style: chr6-15523116-C-T. GRCh37 (hg19) VCF-style: chr6-15523347-C-T.
Other names: c.915G>A (NM_032122.4); c.672G>A, p.Ser224= (NM_001271667.2); c.864G>A, p.Ser288= (NM_001271668.2); c.810G>A, p.Ser270= (NM_001271669.2).
Identifiers: ClinVar variation 1653497 (VCV001653497.32), dbSNP rs140716378, ClinGen allele CA3643695.
Genomic context (GRCh38, chr6:15,523,116, plus strand): 5'-TTCCTCCTCATCGGACTGAACAACGGGGGACTCCCCACCCTCACTGATGTCCCGGGTGGC[C>T]GAGTCGGTGCAGGTGGAGGAAGAAGAAGGTGGCTTGGCTCTTAATTCTGAGGGATTTGGA-3'
Protein context (NP_115498.2, residues 295-315): PPSSSSTCTD[Ser305=]ATRDISEGGE